The following is an entry in ClinVar:

ClinVar aggregate classification (germline): Benign (1 of 4 stars; one submission).

Conditions:
Congenital contractural arachnodactyly (CCA). Also called: BEALS SYNDROME; Beals-Hecht syndrome; Arthrogryposis, distal, type 9. Identifiers: Orphanet 115, MedGen C0220668, MONDO:0007363, OMIM 121050.

Allele frequency attached by ClinVar (database versions not stated): gnomAD 0.00269 and 0.00278; TOPMed 0.00295; 1000 Genomes Project 0.00359; 1000 Genomes Project 30x 0.00390.

Submission:

Illumina Laboratory Services, Illumina
Classification: Benign for Congenital contractural arachnodactyly. Last evaluated: 2018-01-13. Review status: criteria provided, single submitter. Criteria: ICSL Variant Classification Criteria 13 December 2019. Collection method: clinical testing. Allele origin: germline.
Comment: This variant was observed in the ICSL laboratory as part of a predisposition screen in an ostensibly healthy population. It had not been previously curated by ICSL or reported in the Human Gene Mutation Database (HGMD: prior to June 1st, 2018), and was therefore a candidate for classification through an automated scoring system. Utilizing variant allele frequency, disease prevalence and penetrance estimates, and inheritance mode, an automated score was calculated to assess if this variant is too frequent to cause the disease. Based on the score and internal cut-off values, a variant classified as benign is not then subjected to further curation. The score for this variant resulted in a classification of benign for this disease.

NM_001999.4(FBN2):c.*1532G>A

Gene: FBN2 (fibrillin 2; minus strand). Cytogenetic location: 5q23.3.
Variant type: single nucleotide variant.
Coding change: c.*1532G>A on transcript NM_001999.4 (MANE Select); 1532 bases downstream of the stop codon, G replaced by A.
Molecular consequence: 3 prime UTR variant.
Genome position (GRCh38, 1-based): chr5:128,257,923, C>T on the plus strand (G>A on the coding strand, the complement: FBN2 is on the minus strand). VCF-style: chr5-128257923-C-T. GRCh37 (hg19) VCF-style: chr5-127593615-C-T.
Identifiers: ClinVar variation 350726 (VCV000350726.5), dbSNP rs191801589, ClinGen allele CA10618959.